The following is an entry in ClinVar:

NM_014270.5(SLC7A9):c.913G>A (p.Val305Ile)

Gene: SLC7A9 (solute carrier family 7 member 9; minus strand). Cytogenetic location: 19q13.11.
Variant type: single nucleotide variant.
Coding change: c.913G>A on transcript NM_014270.5 (MANE Select); coding-DNA position 913, G replaced by A.
Protein change: p.Val305Ile; replaces valine 305 with isoleucine.
Molecular consequence: missense variant.
Genome position (GRCh38, 1-based): chr19:32,858,504, C>T on the plus strand (G>A on the coding strand, the complement: SLC7A9 is on the minus strand). VCF-style: chr19-32858504-C-T. GRCh37 (hg19) VCF-style: chr19-33349410-C-T.
Other names: c.913G>A, p.Val305Ile (NM_001126335.2, NM_001243036.2); short protein forms V305I.
Identifiers: ClinVar variation 3637913 (VCV003637913.2).

ClinVar aggregate classification (germline): Uncertain significance (1 of 4 stars; one submission).

gnomAD v4.1: 11 of 1,613,356 alleles (0.00068%); highest among the groups gnomAD compares: East Asian, 0.0045%; no homozygotes.

Submission:

Labcorp Genetics (formerly Invitae), Labcorp
Classification: Uncertain significance. Last evaluated: 2024-10-17. Review status: criteria provided, single submitter. Criteria: Invitae Variant Classification Sherloc (09022015). Collection method: clinical testing. Allele origin: germline.
Comment: This sequence change replaces valine, which is neutral and non-polar, with isoleucine, which is neutral and non-polar, at codon 305 of the SLC7A9 protein (p.Val305Ile). This variant is present in population databases (rs762878414, gnomAD 0.006%). This variant has not been reported in the literature in individuals affected with SLC7A9-related conditions. Invitae Evidence Modeling of protein sequence and biophysical properties (such as structural, functional, and spatial information, amino acid conservation, physicochemical variation, residue mobility, and thermodynamic stability) indicates that this missense variant is not expected to disrupt SLC7A9 protein function with a negative predictive value of 80%. In summary, the available evidence is currently insufficient to determine the role of this variant in disease. Therefore, it has been classified as a Variant of Uncertain Significance.